The following is an entry in ClinVar:

NM_000359.3(TGM1):c.944G>C (p.Arg315Pro)

Gene: TGM1 (transglutaminase 1; minus strand). Cytogenetic location: 14q12.
Variant type: single nucleotide variant.
Coding change: c.944G>C on transcript NM_000359.3 (MANE Select); coding-DNA position 944, G replaced by C.
Protein change: p.Arg315Pro; replaces arginine 315 with proline.
Molecular consequence: missense variant.
Genome position (GRCh38, 1-based): chr14:24,259,744, C>G on the plus strand (G>C on the coding strand, the complement: TGM1 is on the minus strand). VCF-style: chr14-24259744-C-G. GRCh37 (hg19) VCF-style: chr14-24728950-C-G.
Other names: short protein forms R315P.
Identifiers: ClinVar variation 2034409 (VCV002034409.5), dbSNP rs143473912, ClinGen allele CA389268057.

ClinVar aggregate classification (germline): Likely pathogenic. Review status: criteria provided, multiple submitters, no conflicts (2 of 4 stars). 2 submissions from 2 submitters: Likely pathogenic (2). Last evaluated 2022-10-07.

Conditions:
Autosomal recessive congenital ichthyosis 1 (LI1). Also called: ICHTHYOSIS CONGENITA; ICHTHYOSIS CONGENITA II; LAMELLAR EXFOLIATION OF NEWBORN; COLLODION FETUS; DESQUAMATION OF NEWBORN; ICHTHYOSIS, CONGENITAL, AUTOSOMAL RECESSIVE 1, WITH BATHING SUIT DISTRIBUTION. Identifiers: MedGen C4551630, MONDO:0009441, OMIM 242300.

gnomAD v4.1: 1 of 1,611,922 alleles (0.000062%); highest among the groups gnomAD compares: South Asian, 0.0011%; no homozygotes.

Submissions (2):

Labcorp Genetics (formerly Invitae), Labcorp
Classification: Likely pathogenic. Last evaluated: 2022-10-07. Review status: criteria provided, single submitter. Criteria: Invitae Variant Classification Sherloc (09022015). Collection method: clinical testing. Allele origin: germline.
Comment: This sequence change replaces arginine, which is basic and polar, with proline, which is neutral and non-polar, at codon 315 of the TGM1 protein (p.Arg315Pro). This variant is not present in population databases (gnomAD no frequency). This variant has not been reported in the literature in individuals affected with TGM1-related conditions. Advanced modeling of protein sequence and biophysical properties (such as structural, functional, and spatial information, amino acid conservation, physicochemical variation, residue mobility, and thermodynamic stability) performed at Invitae indicates that this missense variant is expected to disrupt TGM1 protein function. This variant disrupts the p.Arg315 amino acid residue in TGM1. Other variant(s) that disrupt this residue have been determined to be pathogenic (PMID: 9261103, 9545389, 19212342, 22801880). This suggests that this residue is clinically significant, and that variants that disrupt this residue are likely to be disease-causing. In summary, the currently available evidence indicates that the variant is pathogenic, but additional data are needed to prove that conclusively. Therefore, this variant has been classified as Likely Pathogenic.

Molecular Genetics Department, Kulakov National Medical Research Center for Obstetrics, Gynecology and Perinatology
Classification: Likely pathogenic for Autosomal recessive congenital ichthyosis 1. Review status: criteria provided, single submitter. Criteria: ACMG Guidelines, 2015. Collection method: clinical testing. Allele origin: germline. Affected: yes. Observed: 1 variant allele.
Comment: A previously undescribed heterozygous nucleotide variant creates a missense p.Arg315Pro in the TGM1 gene. Other missense variants at the same position have been described in patient with ichthyosis, congenital, autosomal recessive 1, 242300 (OMIM: 190195#0031-0033). The variant frequency in population database gnomAD is 0.0006%. In summary, the currently available evidence indicates that the variant is pathogenic, but additional data are needed to prove that conclusively. Therefore, this variant has been classified as likely pathogenic.

Literature cited by the submitters: PubMed 9261103 (cited by Labcorp Genetics (formerly Invitae), Labcorp); PubMed 9545389 (cited by Labcorp Genetics (formerly Invitae), Labcorp); PubMed 19212342 (cited by Labcorp Genetics (formerly Invitae), Labcorp); PubMed 22801880 (cited by Labcorp Genetics (formerly Invitae), Labcorp).